The following is an entry in ClinVar:

NM_001130009.3(GEN1):c.2535dup (p.His846fs)

Gene: GEN1 (GEN1 structure-specific endonuclease; plus strand). Cytogenetic location: 2p24.2.
Variant type: Duplication.
Coding change: c.2535dup on transcript NM_001130009.3 (MANE Select); coding-DNA position 2535, one base duplicated (A; older notation c.2535dupA).
Protein change: p.His846fs; shifts the reading frame from histidine 846.
Molecular consequence: frameshift variant.
Genome position (GRCh38, 1-based): chr2:17,781,747, A duplicated. VCF-style (leftmost placement, unchanged base first): chr2-17781746-T-TA. GRCh37 (hg19) VCF-style: chr2-17963013-T-TA.
Other names: c.2535dup, p.His846fs (NM_182625.5); short protein forms H846fs.
Identifiers: ClinVar variation 1382550 (VCV001382550.6), dbSNP rs2125181880, ClinGen allele CA2573133134.

ClinVar aggregate classification (germline): Uncertain significance (1 of 4 stars; one submission).

Submission:

Labcorp Genetics (formerly Invitae), Labcorp
Classification: Uncertain significance. Last evaluated: 2021-09-21. Review status: criteria provided, single submitter. Criteria: Invitae Variant Classification Sherloc (09022015). Collection method: clinical testing. Allele origin: germline.
Comment: In summary, the available evidence is currently insufficient to determine the role of this variant in disease. Therefore, it has been classified as a Variant of Uncertain Significance. Experimental studies and prediction algorithms are not available or were not evaluated, and the functional significance of this variant is currently unknown. This variant has not been reported in the literature in individuals affected with GEN1-related conditions. This variant is not present in population databases (ExAC no frequency). This sequence change creates a premature translational stop signal (p.His846Thrfs*3) in the GEN1 gene. While this is not anticipated to result in nonsense mediated decay, it is expected to disrupt the last 63 amino acid(s) of the GEN1 protein.